The following is an entry in ClinVar:

NM_003136.4(SRP54):c.255+4A>C

Gene: SRP54 (signal recognition particle 54; plus strand). Cytogenetic location: 14q13.2.
Variant type: single nucleotide variant.
Coding change: c.255+4A>C on transcript NM_003136.4 (MANE Select); 4 bases into the intron after coding-DNA position 255, A replaced by C.
Molecular consequence: intron variant.
Genome position (GRCh38, 1-based): chr14:35,001,024, A>C. VCF-style: chr14-35001024-A-C. GRCh37 (hg19) VCF-style: chr14-35470230-A-C.
Other names: c.255+4A>C (NM_001411017.1); c.108+4A>C (NM_001146282.2).
Identifiers: ClinVar variation 2960750 (VCV002960750.3), dbSNP rs2502717204, ClinGen allele CA2575505948.

ClinVar aggregate classification (germline): Uncertain significance (1 of 4 stars; one submission).

Allele frequency attached by ClinVar (database versions not stated): gnomAD exomes below 0.00001.

Submission:

Labcorp Genetics (formerly Invitae), Labcorp
Classification: Uncertain significance. Last evaluated: 2023-11-24. Review status: criteria provided, single submitter. Criteria: Invitae Variant Classification Sherloc (09022015). Collection method: clinical testing. Allele origin: germline.
Comment: This sequence change falls in intron 4 of the SRP54 gene. It does not directly change the encoded amino acid sequence of the SRP54 protein. It affects a nucleotide within the consensus splice site. This variant is not present in population databases (gnomAD no frequency). This variant has not been reported in the literature in individuals affected with SRP54-related conditions. This variant has been observed in at least one individual who was not affected with SRP54-related conditions (Invitae). Variants that disrupt the consensus splice site are a relatively common cause of aberrant splicing (PMID: 17576681, 9536098). Algorithms developed to predict the effect of sequence changes on RNA splicing suggest that this variant may disrupt the consensus splice site. In summary, the available evidence is currently insufficient to determine the role of this variant in disease. Therefore, it has been classified as a Variant of Uncertain Significance.

Literature cited by the submitters: PubMed 17576681; PubMed 9536098.